The following is an entry in ClinVar:

ClinVar aggregate classification (germline): Uncertain significance (1 of 4 stars; one submission).

Conditions:
Hereditary cancer-predisposing syndrome. Also called: Hereditary neoplastic syndrome; Tumor predisposition; Hereditary Cancer Syndrome; Neoplastic Syndromes, Hereditary. Identifiers: Orphanet 140162, MedGen C0027672, MeSH D009386, MONDO:0015356.

Submission:

Ambry Genetics
Classification: Uncertain significance for Hereditary cancer-predisposing syndrome. Last evaluated: 2023-09-11. Review status: criteria provided, single submitter. Criteria: Ambry Variant Classification Scheme 2023. Collection method: clinical testing. Allele origin: germline.
Comment: The p.S179Y variant (also known as c.536C>A), located in coding exon 5 of the APC gene, results from a C to A substitution at nucleotide position 536. The serine at codon 179 is replaced by tyrosine, an amino acid with dissimilar properties. This amino acid position is conserved. In addition, in silico predictors for this gene do not accurately predict pathogenicity. Since supporting evidence is limited at this time, the clinical significance of this alteration remains unclear.

NM_000038.6(APC):c.536C>A (p.Ser179Tyr)

Gene: APC (APC regulator of Wnt signaling pathway; plus strand). Cytogenetic location: 5q22.2.
Variant type: single nucleotide variant.
Coding change: c.536C>A on transcript NM_000038.6 (MANE Select); coding-DNA position 536, C replaced by A.
Protein change: p.Ser179Tyr; replaces serine 179 with tyrosine.
Molecular consequence: missense variant. On other transcripts: non-coding transcript variant (2), 5 prime UTR variant (4).
Genome position (GRCh38, 1-based): chr5:112,780,794, C>A. VCF-style: chr5-112780794-C-A. GRCh37 (hg19) VCF-style: chr5-112116491-C-A.
Other names: c.536C>A, p.Ser179Tyr (NM_001127510.3, NM_001354895.2, NM_001354896.2 and 16 more transcripts); c.566C>A, p.Ser189Tyr (NM_001127511.3, NM_001354897.2, NM_001354902.2 and 1 more transcripts); c.461C>A, p.Ser154Tyr (NM_001354898.2, NM_001354904.2, NM_001407451.1); c.359C>A, p.Ser120Tyr (NM_001354900.2, NM_001354901.2, NM_001354905.2 and 1 more transcripts); c.-500C>A (NM_001354906.2, NM_001407470.1, NM_001407471.1 and 1 more transcripts); short protein forms S154Y, S179Y, S120Y, S189Y.
Identifiers: ClinVar variation 2587044 (VCV002587044.2), dbSNP rs1758235408, ClinGen allele CA16022502.